The following is an entry in ClinVar:

ClinVar aggregate classification (germline): Uncertain significance (1 of 4 stars; one submission).

Conditions:
Cardiovascular phenotype. Identifiers: MedGen CN230736.

gnomAD v4.1: 2 of 1,612,432 alleles (0.00012%); highest among the groups gnomAD compares: African/African-American, 0.0027%; no homozygotes.

Submission:

Ambry Genetics
Classification: Uncertain significance for Cardiovascular phenotype. Last evaluated: 2026-06-22. Review status: criteria provided, single submitter. Criteria: Ambry Variant Classification Scheme 2023. Collection method: clinical testing. Allele origin: germline.
Comment: The p.E3163K variant (also known as c.9487G>A), located in coding exon 27 of the TNXB gene, results from a G to A substitution at nucleotide position 9487. The glutamic acid at codon 3163 is replaced by lysine, an amino acid with similar properties. This amino acid position is conserved. In addition, this alteration is predicted to be tolerated by in silico analysis. Based on the available evidence, the clinical significance of this variant remains unclear.

NM_001365276.2(TNXB):c.9493G>A (p.Glu3165Lys)

Gene: TNXB (tenascin XB; minus strand). Cytogenetic location: 6p21.33.
Variant type: single nucleotide variant.
Coding change: c.9493G>A on transcript NM_001365276.2 (MANE Select); coding-DNA position 9493, G replaced by A.
Protein change: p.Glu3165Lys; replaces glutamic acid 3165 with lysine.
Molecular consequence: missense variant.
Genome position (GRCh38, 1-based): chr6:32,049,534, C>T on the plus strand (G>A on the coding strand, the complement: TNXB is on the minus strand). VCF-style: chr6-32049534-C-T. GRCh37 (hg19) VCF-style: chr6-32017311-C-T.
Other names: c.10234G>A, p.Glu3412Lys (NM_001428335.1); c.9487G>A, p.Glu3163Lys (NM_019105.8); short protein forms E3165K, E3163K, E3412K.
Identifiers: ClinVar variation 5031007 (VCV005031007.1).